The following is an entry in ClinVar:

ClinVar aggregate classification (germline): Uncertain significance. Review status: criteria provided, single submitter (1 of 4 stars). 2 submissions from 2 submitters: Uncertain significance (1). 1 of the submissions does not count toward it. Last evaluated 2024-08-08.

Conditions:
Nemaline myopathy 2 (NEM2). Also called: Nemaline myopathy 2, autosomal recessive. Identifiers: MedGen C1850569, MONDO:0009725, OMIM 256030.

Allele frequency attached by ClinVar (database versions not stated): gnomAD exomes below 0.00001 and 0.00001; gnomAD 0.00002; TOPMed 0.00003.
gnomAD v4.1: 14 of 1,613,848 alleles (0.00087%); highest among the groups gnomAD compares: East Asian, 0.0067%; no homozygotes.

Submissions (2):

Labcorp Genetics (formerly Invitae), Labcorp
Classification: Uncertain significance for Nemaline myopathy 2. Last evaluated: 2024-08-08. Review status: criteria provided, single submitter. Criteria: Invitae Variant Classification Sherloc (09022015). Collection method: clinical testing. Allele origin: germline.
Comment: This sequence change replaces serine, which is neutral and polar, with tyrosine, which is neutral and polar, at codon 1164 of the NEB protein (p.Ser1164Tyr). This variant is present in population databases (no rsID available, gnomAD 0.003%). This variant has not been reported in the literature in individuals affected with NEB-related conditions. ClinVar contains an entry for this variant (Variation ID: 656897). Experimental studies and prediction algorithms are not available or were not evaluated, and the functional significance of this variant is currently unknown. In summary, the available evidence is currently insufficient to determine the role of this variant in disease. Therefore, it has been classified as a Variant of Uncertain Significance.

Natera, Inc.
Classification: Uncertain significance for Nemaline myopathy type 2. Last evaluated: 2020-09-30. Review status: no assertion criteria provided. Collection method: clinical testing. Allele origin: germline. Not counted in ClinVar's aggregate classification.

NM_001164508.2(NEB):c.3491C>A (p.Ser1164Tyr)

Gene: NEB (nebulin; minus strand). Cytogenetic location: 2q23.3.
Variant type: single nucleotide variant.
Coding change: c.3491C>A on transcript NM_001164508.2 (MANE Select); coding-DNA position 3491, C replaced by A.
Protein change: p.Ser1164Tyr; replaces serine 1164 with tyrosine.
Molecular consequence: missense variant.
Genome position (GRCh38, 1-based): chr2:151,677,952, G>T on the plus strand (C>A on the coding strand, the complement: NEB is on the minus strand). VCF-style: chr2-151677952-G-T. GRCh37 (hg19) VCF-style: chr2-152534466-G-T.
Other names: c.3491C>A, p.Ser1164Tyr (NM_001164507.2, NM_001271208.2, NM_004543.5); short protein forms S1164Y.
Identifiers: ClinVar variation 656897 (VCV000656897.11), dbSNP rs944276562, ClinGen allele CA57657702.